The following is an entry in ClinVar:

NM_000489.6(ATRX):c.7432C>G (p.Pro2478Ala)

Gene: ATRX (ATRX chromatin remodeler; minus strand). Cytogenetic location: Xq21.1.
Variant type: single nucleotide variant.
Coding change: c.7432C>G on transcript NM_000489.6 (MANE Select); coding-DNA position 7432, C replaced by G.
Protein change: p.Pro2478Ala; replaces proline 2478 with alanine.
Molecular consequence: missense variant.
Genome position (GRCh38, 1-based): chrX:77,508,398, G>C on the plus strand (C>G on the coding strand, the complement: ATRX is on the minus strand). VCF-style: chrX-77508398-G-C. GRCh37 (hg19) VCF-style: chrX-76763876-G-C.
Other names: c.7318C>G, p.Pro2440Ala (NM_138270.5); short protein forms P2478A, P2440A.
Identifiers: ClinVar variation 521610 (VCV000521610.17), dbSNP rs199543136, ClinGen allele CA10457377.

ClinVar aggregate classification (germline): Conflicting classifications of pathogenicity. Review status: criteria provided, conflicting classifications (1 of 4 stars). 4 submissions from 4 submitters: Uncertain significance (2); Likely benign (2). Last evaluated 2026-03-18.

Conditions:
Intellectual disability-hypotonic facies syndrome, X-linked, 1 (MRXHF1). Also called: X-linked intellectual disability-hypotonic face syndrome; HOLMES-GANG SYNDROME; Smith Fineman Myers syndrome 1; XLMR-HYPOTONIC FACIES SYNDROME; CHUDLEY-LOWRY SYNDROME; Chudley syndrome 1. Identifiers: Orphanet 73220, Orphanet 93970, Orphanet 93971, Orphanet 93972, Orphanet 93973, Orphanet 93974, Orphanet 93975, MedGen C4759781, MONDO:0010663, OMIM 309580.
Acquired hemoglobin H disease (ATMDS). Also called: Alpha-thalassemia myelodysplasia syndrome, somatic; Alpha-thalassemia-myelodysplastic syndrome; Alpha-thalassemia myelodysplasia syndrome. Identifiers: Orphanet 231401, MedGen C0585216, MONDO:0010328, OMIM 300448.
Alpha thalassemia-X-linked intellectual disability syndrome (ATRX). Also called: ALPHA-THALASSEMIA/MENTAL RETARDATION SYNDROME, X-LINKED; ATR, NONDELETION TYPE; ALPHA-THALASSEMIA/IMPAIRED INTELLECTUAL DEVELOPMENT SYNDROME, X-LINKED; X-linked alpha-thalassemia-mental retardation syndrome; ATR-X syndrome; Alpha thalassemia mental retardation syndrome, nondeletion type, X-linked. Identifiers: Orphanet 847, MedGen C1845055, MONDO:0010519, OMIM 301040.
Inborn genetic diseases. Identifiers: MedGen C0950123, MeSH D030342.

Allele frequency attached by ClinVar (database versions not stated): TOPMed 0.00001; 1000 Genomes Project 0.00026; gnomAD 0.00005; 1000 Genomes Project 30x 0.00021.
gnomAD v4.1: 10 of 1,209,423 alleles (0.00083%); highest among the groups gnomAD compares: Middle Eastern, 0.023%; no homozygotes.

Submissions (4):

Women's Health and Genetics/Laboratory Corporation of America, LabCorp
Classification: Likely benign. Last evaluated: 2026-03-18. Review status: criteria provided, single submitter. Criteria: LabCorp Variant Classification Summary - May 2015. Collection method: clinical testing. Allele origin: germline.
Comment: Variant summary: ATRX c.7432C>G (p.Pro2478Ala) results in a non-conservative amino acid change in the encoded protein sequence. Algorithms developed to predict the effect of missense changes on protein structure and function are either unavailable or do not agree on the potential impact of this missense change. The variant allele was found at a frequency of 4.4e-05 in 183339 control chromosomes, including hemizygous males. To our knowledge, no occurrence of c.7432C>G in individuals affected with ATRX-related conditions and no experimental evidence demonstrating its impact on protein function have been reported. ClinVar contains an entry for this variant (Variation ID: 521610). Based on the evidence outlined above, the variant was classified as likely benign.

Labcorp Genetics (formerly Invitae), Labcorp
Classification: Likely benign for Alpha thalassemia-X-linked intellectual disability syndrome. Last evaluated: 2025-07-30. Review status: criteria provided, single submitter. Criteria: Invitae Variant Classification Sherloc (09022015). Collection method: clinical testing. Allele origin: germline.

Fulgent Genetics
Classification: Uncertain significance for Acquired hemoglobin H disease; Alpha thalassemia-X-linked intellectual disability syndrome; Intellectual disability-hypotonic facies syndrome, X-linked, 1. Last evaluated: 2018-10-31. Review status: criteria provided, single submitter. Criteria: ACMG Guidelines, 2015. Collection method: clinical testing. Allele origin: unknown.

Ambry Genetics
Classification: Uncertain significance for Inborn genetic diseases. Last evaluated: 2017-04-04. Review status: criteria provided, single submitter. Criteria: Ambry exome assertion method (8-5-2015). Collection method: clinical testing. Allele origin: germline. Affected: yes. Observed: 1 variant allele.